The following is an entry in ClinVar:

ClinVar aggregate classification (germline): Uncertain significance (1 of 4 stars; one submission).

Conditions:
Inborn genetic diseases. Identifiers: MedGen C0950123, MeSH D030342.

Submission:

Ambry Genetics
Classification: Uncertain significance for Inborn genetic diseases. Last evaluated: 2021-05-20. Review status: criteria provided, single submitter. Criteria: Ambry Variant Classification Scheme 2023. Collection method: clinical testing. Allele origin: germline.
Comment: The c.414+3_414+9delGGTGTGT intronic variant is located 3 nucleotides after coding exon 5 of the DCTN1 gene. This variant results from a deletion of 7 nucleotides at positions c.414+3 to c.414+9. This nucleotide region is well conserved in available vertebrate species. In silico splice site analysis for this alteration is inconclusive. Since supporting evidence is limited at this time, the clinical significance of this alteration remains unclear.

NM_004082.5(DCTN1):c.414+3_414+9del

Gene: DCTN1 (dynactin subunit 1; minus strand). Cytogenetic location: 2p13.1.
Variant type: Deletion.
Coding change: c.414+3_414+9del on transcript NM_004082.5 (MANE Select); bases 3 to 9 of the intron after coding-DNA position 414, 7 bases deleted (GGTGTGT; older notation c.414+3_414+9delGGTGTGT).
Molecular consequence: splice donor variant. On other transcripts: intron variant (3).
Genome position (GRCh38, 1-based): chr2:74,376,733-74,376,739, ACACACC deleted on the plus strand (GGTGTGT on the coding strand, the reverse complement: DCTN1 is on the minus strand); deleting any 7 consecutive bases within chr2:74,376,733-74,376,741 gives the same sequence; the c. name uses the placement nearest the transcript's 3' end. VCF-style (leftmost placement, unchanged base first): chr2-74376732-AACACACC-A. GRCh37 (hg19) VCF-style: chr2-74603859-AACACACC-A.
Other names: c.342+693_342+699del (NM_001190836.2); c.363+3_363+9del (NM_001378992.1, NM_001378991.1); c.393+693_393+699del (NM_001135040.3, NM_001190837.2).
Identifiers: ClinVar variation 1738155 (VCV001738155.2), dbSNP rs2529207146, ClinGen allele CA2580068192.
Genomic context (GRCh38, chr2:74,376,732, plus strand): 5'-GACATGCAGGACAGCTGGGGAAGGGGCTCATGGCCCCCATCCACCCAGGCACAAATAGTA[AACACACC>A]ACCTTCTTAGGCTTCAGTCCCCGCTGCATGAGGAGTAGGAAAGGGCAGAGTTAGAGAACA-3'